The following is an entry in ClinVar:

ClinVar aggregate classification (germline): Uncertain significance. Review status: criteria provided, multiple submitters, no conflicts (2 of 4 stars). 3 submissions from 3 submitters: Uncertain significance (3). Last evaluated 2025-01-14.

Conditions:
Hereditary cancer-predisposing syndrome. Also called: Hereditary neoplastic syndrome; Neoplastic Syndromes, Hereditary; Tumor predisposition; Hereditary Cancer Syndrome. Identifiers: Orphanet 140162, MedGen C0027672, MeSH D009386, MONDO:0015356.
Familial cancer of breast. Also called: BREAST CANCER, FAMILIAL; Hereditary breast cancer; hereditary breast carcinoma. Identifiers: Orphanet 227535, MedGen C0346153, MONDO:0016419, OMIM 114480. Disease mechanism: loss of function.

Allele frequency attached by ClinVar (database versions not stated): TOPMed 0.00001.

Submissions (3):

Ambry Genetics
Classification: Uncertain significance for Hereditary cancer-predisposing syndrome. Last evaluated: 2025-01-14. Review status: criteria provided, single submitter. Criteria: Ambry Variant Classification Scheme 2023. Collection method: clinical testing. Allele origin: germline.
Comment: The p.C133F variant (also known as c.398G>T), located in coding exon 4 of the RAD50 gene, results from a G to T substitution at nucleotide position 398. The cysteine at codon 133 is replaced by phenylalanine, an amino acid with highly dissimilar properties. This amino acid position is highly conserved in available vertebrate species. In addition, this alteration is predicted to be deleterious by in silico analysis. Since supporting evidence is limited at this time, the clinical significance of this alteration remains unclear.

KCCC/NGS Laboratory, Kuwait Cancer Control Center
Classification: Uncertain significance for Familial cancer of breast. Last evaluated: 2023-08-07. Review status: criteria provided, single submitter. Criteria: ACMG Guidelines, 2015. Collection method: clinical testing. Allele origin: germline. Inheritance: Autosomal dominant inheritance. Affected: yes. Observed: 1 heterozygote.
Comment: This sequence change replaces cysteine, which is neutral and slightly polar, with phenylalanine, which is neutral and non-polar, at codon 133 of the RAD50 protein (p.Cys133Phe). This variant is not present in population databases (gnomAD no frequency). This variant has not been reported in the literature in individuals affected with RAD50-related conditions. ClinVar contains an entry for this variant (Variation ID: 184916). This amino acid position is highly conserved (PhyloP=9.8). In addition, the in silico prediction for this alteration is inconclusive. In summary, the available evidence is currently insufficient to determine the role of this variant in disease. Therefore, it has been classified as a Variant of Uncertain Significance.

Labcorp Genetics (formerly Invitae), Labcorp
Classification: Uncertain significance for Hereditary cancer-predisposing syndrome. Last evaluated: 2022-10-24. Review status: criteria provided, single submitter. Criteria: Invitae Variant Classification Sherloc (09022015). Collection method: clinical testing. Allele origin: germline.
Comment: This variant has not been reported in the literature in individuals affected with RAD50-related conditions. In summary, the available evidence is currently insufficient to determine the role of this variant in disease. Therefore, it has been classified as a Variant of Uncertain Significance. Advanced modeling of protein sequence and biophysical properties (such as structural, functional, and spatial information, amino acid conservation, physicochemical variation, residue mobility, and thermodynamic stability) performed at Invitae indicates that this missense variant is expected to disrupt RAD50 protein function. ClinVar contains an entry for this variant (Variation ID: 184916). This variant is not present in population databases (gnomAD no frequency). This sequence change replaces cysteine, which is neutral and slightly polar, with phenylalanine, which is neutral and non-polar, at codon 133 of the RAD50 protein (p.Cys133Phe).

NM_005732.4(RAD50):c.398G>T (p.Cys133Phe)

Gene: RAD50 (RAD50 double strand break repair protein; plus strand). Cytogenetic location: 5q31.1.
Variant type: single nucleotide variant.
Coding change: c.398G>T on transcript NM_005732.4 (MANE Select); coding-DNA position 398, G replaced by T.
Protein change: p.Cys133Phe; replaces cysteine 133 with phenylalanine.
Molecular consequence: missense variant.
Genome position (GRCh38, 1-based): chr5:132,579,349, G>T. VCF-style: chr5-132579349-G-T. GRCh37 (hg19) VCF-style: chr5-131915041-G-T.
Other names: short protein forms C133F.
Identifiers: ClinVar variation 184916 (VCV000184916.15), dbSNP rs786201788, ClinGen allele CA333862.